The following is an entry in ClinVar:

ClinVar aggregate classification (germline): Uncertain significance (1 of 4 stars; one submission).

Conditions:
Ataxia-telangiectasia syndrome (AT). Also called: LOUIS-BAR SYNDROME; Ataxia-telangiectasia, complementation group E; Ataxia-telangiectasia, complementation group D; AT, COMPLEMENTATION GROUP C; Ataxia telangiectasia (A-T); Cerebello-oculocutaneous telangiectasia. Identifiers: Orphanet 100, MedGen C0004135, MONDO:0008840, OMIM 208900.

Submission:

Labcorp Genetics (formerly Invitae), Labcorp
Classification: Uncertain significance for Ataxia-telangiectasia syndrome. Last evaluated: 2023-09-04. Review status: criteria provided, single submitter. Criteria: Invitae Variant Classification Sherloc (09022015). Collection method: clinical testing. Allele origin: germline.
Comment: In summary, the available evidence is currently insufficient to determine the role of this variant in disease. Therefore, it has been classified as a Variant of Uncertain Significance. An algorithm developed to predict the effect of missense changes on protein structure and function (PolyPhen-2) suggests that this variant is likely to be tolerated. ClinVar contains an entry for this variant (Variation ID: 640277). This variant has not been reported in the literature in individuals affected with ATM-related conditions. This variant is not present in population databases (gnomAD no frequency). This sequence change replaces isoleucine, which is neutral and non-polar, with leucine, which is neutral and non-polar, at codon 1740 of the ATM protein (p.Ile1740Leu).

NM_000051.4(ATM):c.5218A>C (p.Ile1740Leu)

Gene: ATM (ATM serine/threonine kinase; plus strand). Cytogenetic location: 11q22.3.
Variant type: single nucleotide variant.
Coding change: c.5218A>C on transcript NM_000051.4 (MANE Select); coding-DNA position 5218, A replaced by C.
Protein change: p.Ile1740Leu; replaces isoleucine 1740 with leucine.
Molecular consequence: missense variant.
Genome position (GRCh38, 1-based): chr11:108,301,688, A>C. VCF-style: chr11-108301688-A-C. GRCh37 (hg19) VCF-style: chr11-108172415-A-C.
Other names: c.5218A>C, p.Ile1740Leu (NM_001351834.2); short protein forms I1740L.
Identifiers: ClinVar variation 640277 (VCV000640277.10), dbSNP rs1358200819, ClinGen allele CA382542290.